The following is an entry in ClinVar:

NM_024652.6(LRRK1):c.4290C>A (p.Tyr1430Ter)

Genes: LRRK1 (leucine rich repeat kinase 1; plus strand), LRRK1-AS1 (LRRK1 antisense RNA 1; minus strand). Cytogenetic location: 15q26.3.
Variant type: single nucleotide variant.
Coding change: c.4290C>A on transcript NM_024652.6 (MANE Select); coding-DNA position 4290, C replaced by A.
Protein change: p.Tyr1430Ter; replaces tyrosine 1430 with a stop codon.
Molecular consequence: nonsense.
Genome position (GRCh38, 1-based): chr15:101,055,181, C>A. VCF-style: chr15-101055181-C-A. GRCh37 (hg19) VCF-style: chr15-101595386-C-A.
Other names: short protein forms Y1430*.
Identifiers: ClinVar variation 2698171 (VCV002698171.3), dbSNP rs2505469619, ClinGen allele CA393954387.

ClinVar aggregate classification (germline): Pathogenic (1 of 4 stars; one submission).

Submission:

Labcorp Genetics (formerly Invitae), Labcorp
Classification: Pathogenic. Last evaluated: 2023-12-02. Review status: criteria provided, single submitter. Criteria: Invitae Variant Classification Sherloc (09022015). Collection method: clinical testing. Allele origin: germline.
Comment: This sequence change creates a premature translational stop signal (p.Tyr1430*) in the LRRK1 gene. It is expected to result in an absent or disrupted protein product. Loss-of-function variants in LRRK1 are known to be pathogenic (PMID: 23526378, 31571209, 32119750). This variant is not present in population databases (gnomAD no frequency). This variant has not been reported in the literature in individuals affected with LRRK1-related conditions. For these reasons, this variant has been classified as Pathogenic.

Literature cited by the submitters: PubMed 23526378; PubMed 31571209; PubMed 32119750.